The following is an entry in ClinVar:

ClinVar aggregate classification (germline): Uncertain significance (1 of 4 stars; one submission).

Conditions:
Intellectual disability, autosomal recessive 53 (NEDHSCA). Also called: GLYCOSYLPHOSPHATIDYLINOSITOL BIOSYNTHESIS DEFECT 13; Mental retardation, autosomal recessive 53; NEURODEVELOPMENTAL DISORDER WITH OR WITHOUT HYPOTONIA, SEIZURES, AND CEREBELLAR ATROPHY. Identifiers: Orphanet 488635, MedGen C4310794, MONDO:0014832, OMIM 616917.

Allele frequency attached by ClinVar (database versions not stated): gnomAD exomes 0.00013 and 0.00005; TOPMed 0.00003; gnomAD 0.00005 and 0.00006; ESP Exome Variant Server 0.00008; ExAC 0.00009.
gnomAD v4.1: 75 of 1,613,964 alleles (0.0046%); highest among the groups gnomAD compares: Non-Finnish European, 0.0025%; no homozygotes.

Submission:

Labcorp Genetics (formerly Invitae), Labcorp
Classification: Uncertain significance for Intellectual disability, autosomal recessive 53. Last evaluated: 2020-02-12. Review status: criteria provided, single submitter. Criteria: Invitae Variant Classification Sherloc (09022015). Collection method: clinical testing. Allele origin: germline.
Comment: This sequence change replaces alanine with valine at codon 723 of the PIGG protein (p.Ala723Val). The alanine residue is moderately conserved and there is a small physicochemical difference between alanine and valine. This variant is present in population databases (rs374262167, ExAC 0.05%) but has not been reported in the literature in individuals with a PIGG-related disease. Algorithms developed to predict the effect of missense changes on protein structure and function (SIFT, PolyPhen-2, Align-GVGD) all suggest that this variant is likely to be tolerated, but these predictions have not been confirmed by published functional studies. In summary, this variant is a rare missense change that is not predicted to affect protein function, and is found in the population at an appreciable frequency. This variant is not anticipated to cause disease; however, the available evidence is currently insufficient to prove that conclusively. Therefore, it has been classified as a Variant of Uncertain Significance.

NM_001127178.3(PIGG):c.2168C>T (p.Ala723Val)

Gene: PIGG (phosphatidylinositol glycan anchor biosynthesis class G (EMM blood group); plus strand). Cytogenetic location: 4p16.3.
Variant type: single nucleotide variant.
Coding change: c.2168C>T on transcript NM_001127178.3 (MANE Select); coding-DNA position 2168, C replaced by T.
Protein change: p.Ala723Val; replaces alanine 723 with valine.
Molecular consequence: missense variant. On other transcripts: non-coding transcript variant (10).
Genome position (GRCh38, 1-based): chr4:527,137, C>T. VCF-style: chr4-527137-C-T. GRCh37 (hg19) VCF-style: chr4-520926-C-T.
Other names: c.1901C>T, p.Ala634Val (NM_001289051.2, NM_001345986.2); c.1769C>T, p.Ala590Val (NM_001289052.2); c.1877C>T, p.Ala626Val (NM_001345987.2); c.1139C>T, p.Ala380Val (NM_001345988.2); c.635C>T, p.Ala212Val (NM_001345990.2, NM_001345991.2); c.1070C>T, p.Ala357Val (NM_001345994.2); c.2144C>T, p.Ala715Val (NM_017733.5); short protein forms A723V, A380V, A626V, A357V, A212V, A590V, A634V, A715V.
Identifiers: ClinVar variation 476332 (VCV000476332.9), dbSNP rs374262167, ClinGen allele CA2793559.